The following is an entry in ClinVar:

NM_020937.4(FANCM):c.134C>T (p.Ala45Val)

Gene: FANCM (FA complementation group M; plus strand). Cytogenetic location: 14q21.2.
Variant type: single nucleotide variant.
Coding change: c.134C>T on transcript NM_020937.4 (MANE Select); coding-DNA position 134, C replaced by T.
Protein change: p.Ala45Val; replaces alanine 45 with valine.
Molecular consequence: missense variant.
Genome position (GRCh38, 1-based): chr14:45,136,165, C>T. VCF-style: chr14-45136165-C-T. GRCh37 (hg19) VCF-style: chr14-45605368-C-T.
Other names: c.134C>T, p.Ala45Val (NM_001308133.2, NM_001308134.2); short protein forms A45V.
Identifiers: ClinVar variation 4254599 (VCV004254599.1).

ClinVar aggregate classification (germline): Uncertain significance (1 of 4 stars; one submission).

Conditions:
Inborn genetic diseases. Identifiers: MedGen C0950123, MeSH D030342.

Submission:

Ambry Genetics
Classification: Uncertain significance for Inborn genetic diseases. Last evaluated: 2025-07-18. Review status: criteria provided, single submitter. Criteria: Ambry Variant Classification Scheme 2023. Collection method: clinical testing. Allele origin: germline.
Comment: The p.A45V variant (also known as c.134C>T), located in coding exon 1 of the FANCM gene, results from a C to T substitution at nucleotide position 134. The alanine at codon 45 is replaced by valine, an amino acid with similar properties. This amino acid position is conserved. In addition, this alteration is predicted to be tolerated by in silico analysis. Based on the available evidence, the clinical significance of this variant remains unclear.